The following is an entry in ClinVar:

ClinVar aggregate classification (germline): Uncertain significance. Review status: criteria provided, multiple submitters, no conflicts (2 of 4 stars). 4 submissions from 4 submitters: Uncertain significance (4). Last evaluated 2024-09-22.

Conditions:
RYR1-related disorder. Also called: RYR1-related disorders; RYR1-related condition. Identifiers: MedGen CN239331.
Malignant hyperthermia, susceptibility to, 1 (MHS1). Also called: Anesthesia related hyperthermia; Malignant hyperpyrexia; Fulminating hyperpyrexia; Pharmacogenic myopathy; RYR1-Related Malignant Hyperthermia Susceptibility; Malignant hyperthermia suceptibility 1. Identifiers: Orphanet 423, MedGen C2930980, MONDO:0007783, OMIM 145600.

Allele frequency attached by ClinVar (database versions not stated): ExAC 0.00002; gnomAD 0.00005; TOPMed 0.00007; ESP Exome Variant Server 0.00008; 1000 Genomes Project 30x 0.00016; 1000 Genomes Project 0.00020.
gnomAD v4.1: 19 of 1,611,862 alleles (0.0012%); highest among the groups gnomAD compares: Admixed American, 0.012%; no homozygotes.

Submissions (4):

GeneDx
Classification: Uncertain significance. Last evaluated: 2024-09-22. Review status: criteria provided, single submitter. Criteria: GeneDx Variant Classification Process June 2021. Collection method: clinical testing. Allele origin: germline. Affected: yes.
Comment: Not observed at significant frequency in large population cohorts (gnomAD); In silico analysis indicates that this missense variant does not alter protein structure/function; Has not been previously published as pathogenic or benign to our knowledge

Women's Health and Genetics/Laboratory Corporation of America, LabCorp
Classification: Uncertain significance. Last evaluated: 2024-06-10. Review status: criteria provided, single submitter. Criteria: LabCorp Variant Classification Summary - May 2015. Collection method: clinical testing. Allele origin: germline.
Comment: Variant summary: RYR1 c.3071G>A (p.Arg1024His) results in a non-conservative amino acid change located in the B30.2/SPRY domain (IPR000699) of the encoded protein sequence. Four of five in-silico tools predict a benign effect of the variant on protein function. The variant allele was found at a frequency of 1.6e-05 in 243266 control chromosomes. The available data on variant occurrences in the general population are insufficient to allow any conclusion about variant significance. To our knowledge, no occurrence of c.3071G>A in individuals affected with Myopathy, RYR1-Associated and no experimental evidence demonstrating its impact on protein function have been reported. ClinVar contains an entry for this variant (Variation ID: 2113728). Based on the evidence outlined above, the variant was classified as uncertain significance.

Color Diagnostics, LLC DBA Color Health
Classification: Uncertain significance for Malignant hyperthermia, susceptibility to, 1. Last evaluated: 2024-03-07. Review status: criteria provided, single submitter. Criteria: ACMG Guidelines, 2015. Collection method: clinical testing. Allele origin: germline.
Comment: This missense variant replaces arginine with histidine at codon 1024 of the RYR1 protein. Computational prediction suggests that this variant may not impact protein structure and function. To our knowledge, functional studies have not been reported for this variant. This variant has not been reported in individuals affected with RYR1-related disorders in the literature. This variant has been identified in 5/274626 chromosomes in the general population by the Genome Aggregation Database (gnomAD). The available evidence is insufficient to determine the role of this variant in disease conclusively. Therefore, this variant is classified as a Variant of Uncertain Significance.

Labcorp Genetics (formerly Invitae), Labcorp
Classification: Uncertain significance for RYR1-related disorder. Last evaluated: 2022-09-27. Review status: criteria provided, single submitter. Criteria: Invitae Variant Classification Sherloc (09022015). Collection method: clinical testing. Allele origin: germline.
Comment: This sequence change replaces arginine, which is basic and polar, with histidine, which is basic and polar, at codon 1024 of the RYR1 protein (p.Arg1024His). The frequency data for this variant in the population databases is considered unreliable, as metrics indicate poor data quality at this position in the gnomAD database. This variant has not been reported in the literature in individuals affected with RYR1-related conditions. Advanced modeling of protein sequence and biophysical properties (such as structural, functional, and spatial information, amino acid conservation, physicochemical variation, residue mobility, and thermodynamic stability) performed at Invitae indicates that this missense variant is not expected to disrupt RYR1 protein function. In summary, the available evidence is currently insufficient to determine the role of this variant in disease. Therefore, it has been classified as a Variant of Uncertain Significance.

NM_000540.3(RYR1):c.3071G>A (p.Arg1024His)

Gene: RYR1 (ryanodine receptor 1; plus strand). Cytogenetic location: 19q13.2.
Variant type: single nucleotide variant.
Coding change: c.3071G>A on transcript NM_000540.3 (MANE Select); coding-DNA position 3071, G replaced by A.
Protein change: p.Arg1024His; replaces arginine 1024 with histidine.
Molecular consequence: missense variant.
Genome position (GRCh38, 1-based): chr19:38,466,291, G>A. VCF-style: chr19-38466291-G-A. GRCh37 (hg19) VCF-style: chr19-38956931-G-A.
Other names: c.3071G>A, p.Arg1024His (NM_001042723.2); short protein forms R1024H.
Identifiers: ClinVar variation 2113728 (VCV002113728.4), dbSNP rs148146893, ClinGen allele CA064377.